The following is an entry in ClinVar:

ClinVar aggregate classification (germline): Likely benign (1 of 4 stars; one submission).

Allele frequency attached by ClinVar (database versions not stated): ExAC 0.00011; 1000 Genomes Project 0.00020; 1000 Genomes Project 30x 0.00031.

Submission:

CeGaT Center for Human Genetics Tuebingen
Classification: Likely benign. Last evaluated: 2022-11-01. Review status: criteria provided, single submitter. Criteria: CeGaT Center For Human Genetics Tuebingen Variant Classification Criteria Version 2. Collection method: clinical testing. Allele origin: germline. Affected: yes. Observed: 1 variant allele.
Comment: SCAF1: BP4, BP7

NM_021228.3(SCAF1):c.570C>A (p.Pro190=)

Gene: SCAF1 (SR-related CTD associated factor 1; plus strand). Cytogenetic location: 19q13.33.
Variant type: single nucleotide variant.
Coding change: c.570C>A on transcript NM_021228.3 (MANE Select); coding-DNA position 570, C replaced by A.
Protein change: p.Pro190=; no amino-acid change (proline 190 retained).
Molecular consequence: synonymous variant.
Genome position (GRCh38, 1-based): chr19:49,650,959, C>A. VCF-style: chr19-49650959-C-A. GRCh37 (hg19) VCF-style: chr19-50154216-C-A.
Identifiers: ClinVar variation 2650276 (VCV002650276.24), dbSNP rs373203311, ClinGen allele CA9579418.